The following is an entry in ClinVar:

NM_006904.7(PRKDC):c.2336A>G (p.Tyr779Cys)

Gene: PRKDC (protein kinase, DNA-activated, catalytic subunit; minus strand). Cytogenetic location: 8q11.21.
Variant type: single nucleotide variant.
Coding change: c.2336A>G on transcript NM_006904.7 (MANE Select); coding-DNA position 2336, A replaced by G.
Protein change: p.Tyr779Cys; replaces tyrosine 779 with cysteine.
Molecular consequence: missense variant.
Genome position (GRCh38, 1-based): chr8:47,927,277, T>C on the plus strand (A>G on the coding strand, the complement: PRKDC is on the minus strand). VCF-style: chr8-47927277-T-C. GRCh37 (hg19) VCF-style: chr8-48839837-T-C.
Other names: c.2336A>G, p.Tyr779Cys (NM_001081640.2); short protein forms Y779C.
Identifiers: ClinVar variation 1789775 (VCV001789775.2), dbSNP rs2090170497, ClinGen allele CA371161848.

ClinVar aggregate classification (germline): Uncertain significance (1 of 4 stars; one submission).

gnomAD v4.1: 2 of 1,613,762 alleles (0.00012%); highest among the groups gnomAD compares: Non-Finnish European, 0.00017%; no homozygotes.

Submission:

Ambry Genetics
Classification: Uncertain significance. Last evaluated: 2022-10-05. Review status: criteria provided, single submitter. Criteria: Ambry Variant Classification Scheme 2023. Collection method: clinical testing. Allele origin: germline.
Comment: The p.Y779C variant (also known as c.2336A>G), located in coding exon 21 of the PRKDC gene, results from an A to G substitution at nucleotide position 2336. The tyrosine at codon 779 is replaced by cysteine, an amino acid with highly dissimilar properties. This amino acid position is conserved. In addition, this alteration is predicted to be tolerated by in silico analysis. Since supporting evidence is limited at this time, the clinical significance of this alteration remains unclear.